The following is an entry in ClinVar:

ClinVar aggregate classification (germline): Uncertain significance (1 of 4 stars; one submission).

Submission:

Ambry Genetics
Classification: Uncertain significance. Last evaluated: 2024-09-15. Review status: criteria provided, single submitter. Criteria: Ambry Variant Classification Scheme 2023. Collection method: clinical testing. Allele origin: germline.
Comment: The p.E414D variant (also known as c.1242A>C), located in coding exon 13 of the NPAT gene, results from an A to C substitution at nucleotide position 1242. The glutamic acid at codon 414 is replaced by aspartic acid, an amino acid with highly similar properties. This amino acid position is conserved. In addition, this alteration is predicted to be tolerated by in silico analysis. Based on the available evidence, the clinical significance of this variant remains unclear.

NM_002519.3(NPAT):c.1242A>C (p.Glu414Asp)

Gene: NPAT (nuclear protein, coactivator of histone transcription; minus strand). Cytogenetic location: 11q22.3.
Variant type: single nucleotide variant.
Coding change: c.1242A>C on transcript NM_002519.3 (MANE Select); coding-DNA position 1242, A replaced by C.
Protein change: p.Glu414Asp; replaces glutamic acid 414 with aspartic acid.
Molecular consequence: missense variant.
Genome position (GRCh38, 1-based): chr11:108,173,742, T>G on the plus strand (A>C on the coding strand, the complement: NPAT is on the minus strand). VCF-style: chr11-108173742-T-G. GRCh37 (hg19) VCF-style: chr11-108044469-T-G.
Other names: c.1242A>C, p.Glu414Asp (NM_001321307.1); short protein forms E414D.
Identifiers: ClinVar variation 3407218 (VCV003407218.1).